The following is an entry in ClinVar:

NM_015151.4(DIP2A):c.4233C>T (p.Ala1411=)

Gene: DIP2A (disco interacting protein 2 homolog A; plus strand). Cytogenetic location: 21q22.3.
Variant type: single nucleotide variant.
Coding change: c.4233C>T on transcript NM_015151.4 (MANE Select); coding-DNA position 4233, C replaced by T.
Protein change: p.Ala1411=; no amino-acid change (alanine 1411 retained).
Molecular consequence: synonymous variant.
Genome position (GRCh38, 1-based): chr21:46,565,781, C>T. VCF-style: chr21-46565781-C-T. GRCh37 (hg19) VCF-style: chr21-47985694-C-T.
Other names: c.4221C>T, p.Ala1407= (NM_001146116.2); c.4236C>T, p.Ala1412= (NM_001353942.2); c.4233C>T, p.Ala1411= (NM_001353943.2); c.4263C>T, p.Ala1421= (NM_001410751.1).
Identifiers: ClinVar variation 3055482 (VCV003055482.2), dbSNP rs16979409, ClinGen allele CA10083107.

ClinVar aggregate classification (germline): Benign (0 of 4 stars; one submission).

Conditions:
DIP2A-related disorder. Also called: DIP2A-related condition.

Allele frequency attached by ClinVar (database versions not stated): gnomAD exomes 0.00433; ExAC 0.01257; gnomAD 0.04186; 1000 Genomes Project 0.04453; ESP Exome Variant Server 0.04543; TOPMed 0.04743; 1000 Genomes Project 30x 0.05091.
gnomAD v4.1: 13,014 of 1,613,942 alleles (0.81%); highest among the groups gnomAD compares: African/African-American, 15%; 813 homozygotes.

Submission:

PreventionGenetics, part of Exact Sciences
Classification: Benign for DIP2A-related condition. Last evaluated: 2019-09-25. Review status: no assertion criteria provided. Collection method: clinical testing. Allele origin: germline.
Comment: This variant is classified as benign based on ACMG/AMP sequence variant interpretation guidelines (Richards et al. 2015 PMID: 25741868, with internal and published modifications).